The following is an entry in ClinVar:

NM_002528.7(NTHL1):c.769G>C (p.Ala257Pro)

Gene: NTHL1 (nth like DNA glycosylase 1; minus strand). Cytogenetic location: 16p13.3.
Variant type: single nucleotide variant.
Coding change: c.769G>C on transcript NM_002528.7 (MANE Select); coding-DNA position 769, G replaced by C.
Protein change: p.Ala257Pro; replaces alanine 257 with proline.
Molecular consequence: missense variant.
Genome position (GRCh38, 1-based): chr16:2,040,155, C>G on the plus strand (G>C on the coding strand, the complement: NTHL1 is on the minus strand). VCF-style: chr16-2040155-C-G. GRCh37 (hg19) VCF-style: chr16-2090156-C-G.
Other names: c.769G>C, p.Ala257Pro (LRG_1366t1); c.598G>C, p.Ala200Pro (NM_001318193.2); c.439G>C, p.Ala147Pro (NM_001318194.2); short protein forms A147P, A200P, A257P.
Identifiers: ClinVar variation 662189 (VCV000662189.21), dbSNP rs148474733, ClinGen allele CA7828121.
Genomic context (GRCh38, chr16:2,040,155, plus strand): 5'-GAGCTCTTCTCCCTAGGAAGCCCCCCACATACTCATACCTAGGCAGCCACTCCTCCAGGG[C>G]GGCGCGGGTCTCCTCTGGGGACTTGGTTGCCTTCTTGGTCCACCTCAGCCTGTTGGCGAT-3'
Protein context (NP_002519.2, residues 247-267): ATKSPEETRA[Ala257Pro]LEEWLPRELW

ClinVar aggregate classification (germline): Uncertain significance. Review status: criteria provided, multiple submitters, no conflicts (2 of 4 stars). 7 submissions from 7 submitters: Uncertain significance (7). Last evaluated 2026-06-13.

Conditions:
NTHL1-related disorder. Also called: NTHL1-related condition; NTHL1-related conditions.
Familial adenomatous polyposis 3. Also called: NTHL1-Related Adenomatous Polyposis and Colorectal Cancer; NTHL1-associated polyposis; NTHL1-related attenuated familial adenomatous polyposis; NTHL1 Tumor Syndrome. Identifiers: Orphanet 220460, Orphanet 454840, MedGen C4225157, MONDO:0014630, OMIM 616415.
Hereditary cancer-predisposing syndrome. Also called: Tumor predisposition; Hereditary neoplastic syndrome; Hereditary Cancer Syndrome; Neoplastic Syndromes, Hereditary. Identifiers: Orphanet 140162, MedGen C0027672, MeSH D009386, MONDO:0015356.

gnomAD v4.1: 9 of 1,613,938 alleles (0.00056%); highest among the groups gnomAD compares: Middle Eastern, 0.016%; no homozygotes.

Submissions (7):

PreventionGenetics, part of Exact Sciences
Classification: Uncertain significance for NTHL1-related condition. Last evaluated: 2026-06-13. Review status: criteria provided, single submitter. Criteria: ACMG Guidelines, 2015. Collection method: clinical testing. Allele origin: germline.
Comment: The NTHL1 c.793G>C variant is predicted to result in the amino acid substitution p.Ala265Pro. To our knowledge, this variant has not been reported in the literature. This variant is reported in 0.0033% of alleles in individuals of South Asian descent in gnomAD and is classified as uncertain in ClinVar (Variation ID: 662189). At this time, the clinical significance of this variant is uncertain due to the absence of conclusive functional and genetic evidence.

Labcorp Genetics (formerly Invitae), Labcorp
Classification: Uncertain significance. Last evaluated: 2025-10-01. Review status: criteria provided, single submitter. Criteria: Invitae Variant Classification Sherloc (09022015). Collection method: clinical testing. Allele origin: germline.
Comment: This sequence change replaces alanine, which is neutral and non-polar, with proline, which is neutral and non-polar, at codon 265 of the NTHL1 protein (p.Ala265Pro). This variant is present in population databases (rs148474733, gnomAD 0.003%). This variant has not been reported in the literature in individuals affected with NTHL1-related conditions. ClinVar contains an entry for this variant (Variation ID: 662189). An algorithm developed to predict the effect of missense changes on protein structure and function (PolyPhen-2) suggests that this variant is likely to be disruptive. In summary, the available evidence is currently insufficient to determine the role of this variant in disease. Therefore, it has been classified as a Variant of Uncertain Significance.

Ambry Genetics
Classification: Uncertain significance for Hereditary cancer-predisposing syndrome. Last evaluated: 2024-12-06. Review status: criteria provided, single submitter. Criteria: Ambry Variant Classification Scheme 2023. Collection method: clinical testing. Allele origin: germline.
Comment: The p.A265P variant (also known as c.793G>C), located in coding exon 5 of the NTHL1 gene, results from a G to C substitution at nucleotide position 793. The alanine at codon 265 is replaced by proline, an amino acid with highly similar properties. This amino acid position is well conserved in available vertebrate species. In addition, the in silico prediction for this alteration is inconclusive. Since supporting evidence is limited at this time, the clinical significance of this alteration remains unclear.

GeneDx
Classification: Uncertain significance. Last evaluated: 2024-03-17. Review status: criteria provided, single submitter. Criteria: GeneDx Variant Classification Process June 2021. Collection method: clinical testing. Allele origin: germline. Affected: yes.
Comment: Not observed at significant frequency in large population cohorts (gnomAD); In silico analysis supports that this missense variant has a deleterious effect on protein structure/function; Has not been previously published as pathogenic or benign to our knowledge

Blueprint Genetics
Classification: Uncertain significance. Last evaluated: 2024-02-16. Review status: criteria provided, single submitter. Criteria: ACMG Guidelines, 2015. Collection method: clinical testing. Allele origin: germline.

Baylor Genetics
Classification: Uncertain significance for Familial adenomatous polyposis 3. Last evaluated: 2023-08-18. Review status: criteria provided, single submitter. Criteria: ACMG Guidelines, 2015. Collection method: clinical testing. Allele origin: unknown.

Sema4
Classification: Uncertain significance for Hereditary cancer-predisposing syndrome. Last evaluated: 2021-11-02. Review status: criteria provided, single submitter. Criteria: Sema4 Curation Guidelines. Collection method: curation. Allele origin: germline.
Comment: The NTHL1 c.793G>C (p.A265P) variant has not been reported in the literature to our knowledge. It was observed in 3/251136 chromosomes in the large and broad cohorts of the Genome Aggregation Database (PMID: 32461654), and has been reported in ClinVar (Variation ID 662189). Functional studies have not been performed, and in silico predictions of the variant's effect on protein function are inconclusive. The evidence is insufficient to meet ACMG/AMP criteria for classifying the variant as benign or pathogenic. Thus, the clinical significance of this variant is currently uncertain.